The following is an entry in ClinVar:

NM_000179.3(MSH6):c.2152A>T (p.Ser718Cys)

Gene: MSH6 (mutS homolog 6; plus strand). Cytogenetic location: 2p16.3.
Variant type: single nucleotide variant.
Coding change: c.2152A>T on transcript NM_000179.3 (MANE Select); coding-DNA position 2152, A replaced by T.
Protein change: p.Ser718Cys; replaces serine 718 with cysteine.
Molecular consequence: missense variant.
Genome position (GRCh38, 1-based): chr2:47,800,135, A>T. VCF-style: chr2-47800135-A-T. GRCh37 (hg19) VCF-style: chr2-48027274-A-T.
Other names: c.1762A>T, p.Ser588Cys (NM_001281492.2); c.1246A>T, p.Ser416Cys (NM_001281493.2, NM_001281494.2); short protein forms S416C, S588C, S718C.
Identifiers: ClinVar variation 1382476 (VCV001382476.8), dbSNP rs1003027504, ClinGen allele CA46710456.

ClinVar aggregate classification (germline): Uncertain significance (1 of 4 stars; one submission).

Conditions:
Hereditary nonpolyposis colorectal neoplasms. Identifiers: MedGen C0009405, MeSH D003123.

Submission:

Labcorp Genetics (formerly Invitae), Labcorp
Classification: Uncertain significance for Hereditary nonpolyposis colorectal neoplasms. Last evaluated: 2025-10-25. Review status: criteria provided, single submitter. Criteria: Invitae Variant Classification Sherloc (09022015). Collection method: clinical testing. Allele origin: germline.
Comment: This sequence change replaces serine, which is neutral and polar, with cysteine, which is neutral and slightly polar, at codon 718 of the MSH6 protein (p.Ser718Cys). This variant is not present in population databases (gnomAD no frequency). This variant has not been reported in the literature in individuals affected with MSH6-related conditions. ClinVar contains an entry for this variant (Variation ID: 1382476). Invitae Evidence Modeling of protein sequence and biophysical properties (such as structural, functional, and spatial information, amino acid conservation, physicochemical variation, residue mobility, and thermodynamic stability) indicates that this missense variant is not expected to disrupt MSH6 protein function with a negative predictive value of 95%. In summary, the available evidence is currently insufficient to determine the role of this variant in disease. Therefore, it has been classified as a Variant of Uncertain Significance.